The following is an entry in ClinVar:

NM_003239.5(TGFB3):c.128T>C (p.Ile43Thr)

Gene: TGFB3 (transforming growth factor beta 3; minus strand). Cytogenetic location: 14q24.3.
Variant type: single nucleotide variant.
Coding change: c.128T>C on transcript NM_003239.5 (MANE Select); coding-DNA position 128, T replaced by C.
Protein change: p.Ile43Thr; replaces isoleucine 43 with threonine.
Molecular consequence: missense variant.
Genome position (GRCh38, 1-based): chr14:75,980,766, A>G on the plus strand (T>C on the coding strand, the complement: TGFB3 is on the minus strand). VCF-style: chr14-75980766-A-G. GRCh37 (hg19) VCF-style: chr14-76447109-A-G.
Other names: c.128T>C, p.Ile43Thr (NM_001329938.2, NM_001329939.2); short protein forms I43T.
Identifiers: ClinVar variation 1342056 (VCV001342056.4), dbSNP rs765490133, ClinGen allele CA7280512.

ClinVar aggregate classification (germline): Uncertain significance. Review status: criteria provided, multiple submitters, no conflicts (2 of 4 stars). 2 submissions from 2 submitters: Uncertain significance (2). Last evaluated 2025-11-19.

Conditions:
Rienhoff syndrome. Also called: LOEYS-DIETZ SYNDROME 5. Identifiers: MedGen C3810012, MONDO:0014262, OMIM 615582.

Allele frequency attached by ClinVar (database versions not stated): gnomAD exomes below 0.00001 and 0.00001; ExAC 0.00001.
gnomAD v4.1: 20 of 1,614,010 alleles (0.0012%); highest among the groups gnomAD compares: Non-Finnish European, 0.0017%; no homozygotes.

Submissions (2):

Labcorp Genetics (formerly Invitae), Labcorp
Classification: Uncertain significance for Rienhoff syndrome. Last evaluated: 2025-11-19. Review status: criteria provided, single submitter. Criteria: Invitae Variant Classification Sherloc (09022015). Collection method: clinical testing. Allele origin: germline.
Comment: This sequence change replaces isoleucine, which is neutral and non-polar, with threonine, which is neutral and polar, at codon 43 of the TGFB3 protein (p.Ile43Thr). This variant is present in population databases (rs765490133, gnomAD 0.0009%). This missense change has been observed in individual(s) with clinical features of TGFB3-related conditions (PMID: 37813462). ClinVar contains an entry for this variant (Variation ID: 1342056). Invitae Evidence Modeling of protein sequence and biophysical properties (such as structural, functional, and spatial information, amino acid conservation, physicochemical variation, residue mobility, and thermodynamic stability) indicates that this missense variant is not expected to disrupt TGFB3 protein function with a negative predictive value of 80%. In summary, the available evidence is currently insufficient to determine the role of this variant in disease. Therefore, it has been classified as a Variant of Uncertain Significance.

GeneDx
Classification: Uncertain significance. Last evaluated: 2022-02-18. Review status: criteria provided, single submitter. Criteria: GeneDx Variant Classification Process June 2021. Collection method: clinical testing. Allele origin: germline. Affected: yes.
Comment: Has not been previously published as pathogenic or benign to our knowledge; Not observed at significant frequency in large population cohorts (gnomAD); In silico analysis supports that this missense variant has a deleterious effect on protein structure/function

Literature cited by the submitters: PubMed 37813462 (cited by Labcorp Genetics (formerly Invitae), Labcorp).